The following is an entry in ClinVar:

NM_013336.4(SEC61A1):c.1220C>T (p.Thr407Ile)

Genes: RUVBL1 (RuvB like AAA ATPase 1; minus strand), SEC61A1 (SEC61 translocon subunit alpha 1; plus strand). Cytogenetic location: 3q21.3.
Variant type: single nucleotide variant.
Coding change: c.1220C>T on transcript NM_013336.4 (MANE Select); coding-DNA position 1220, C replaced by T.
Protein change: p.Thr407Ile; replaces threonine 407 with isoleucine.
Molecular consequence: missense variant. On other transcripts: intron variant (1).
Genome position (GRCh38, 1-based): chr3:128,068,035, C>T. VCF-style: chr3-128068035-C-T. GRCh37 (hg19) VCF-style: chr3-127786878-C-T.
Other names: c.1238C>T, p.Thr413Ile (NM_001400328.1); c.1061C>T, p.Thr354Ile (NM_001400329.1); c.940-2815G>A (NM_001319086.1); short protein forms T354I, T407I, T413I.
Identifiers: ClinVar variation 4076399 (VCV004076399.1).
Genomic context (GRCh38, chr3:128,068,035, plus strand): 5'-CCCTGCAGGTTGCAAAGCAGCTGAAGGAGCAGCAGATGGTGATGAGAGGCCACCGAGAGA[C>T]CTCCATGGTCCATGAACTCAACCGGTGAGTGGTGGCCCCAGGTCCCCAACCTCCCGTCTG-3'
Protein context (NP_037468.1, residues 397-417): QQMVMRGHRE[Thr407Ile]SMVHELNRYI

ClinVar aggregate classification (germline): Uncertain significance (1 of 4 stars; one submission).

Conditions:
Hyperuricemic nephropathy, familial juvenile type 4 (ADTKD5). Identifiers: MedGen C4310741, MONDO:0014891, OMIM 617056.

gnomAD v4.1: 2 of 1,613,954 alleles (0.00012%); highest among the groups gnomAD compares: Non-Finnish European, 0.00017%; no homozygotes.

Submission:

Laboratorio de Genetica e Diagnostico Molecular, Hospital Israelita Albert Einstein
Classification: Uncertain significance for Hyperuricemic nephropathy, familial juvenile type 4. Last evaluated: 2024-06-10. Review status: criteria provided, single submitter. Criteria: ACMG Guidelines, 2015. Collection method: clinical testing. Allele origin: germline. Affected: yes.
Comment: ACMG classification criteria: PM2 supporting, PP2 supporting, BP4 supporting